The following is an entry in ClinVar:

ClinVar aggregate classification (germline): Benign/Likely benign. Review status: criteria provided, multiple submitters, no conflicts (2 of 4 stars). 3 submissions from 3 submitters: Benign (1); Likely benign (1). 1 of the submissions does not count toward it. Last evaluated 2026-01-27.

Conditions:
CDH2-related disorder. Also called: CDH2-related condition.
Inborn genetic diseases. Identifiers: MedGen C0950123, MeSH D030342.

Allele frequency attached by ClinVar (database versions not stated): gnomAD 0.00032 and 0.00035; 1000 Genomes Project 0.00040; gnomAD exomes 0.00002 and 0.00008; ESP Exome Variant Server 0.00008; ExAC 0.00011; TOPMed 0.00029; 1000 Genomes Project 30x 0.00031.
gnomAD v4.1: 86 of 1,613,930 alleles (0.0053%); highest among the groups gnomAD compares: African/African-American, 0.097%; no homozygotes.

Submissions (3):

Labcorp Genetics (formerly Invitae), Labcorp
Classification: Benign. Last evaluated: 2026-01-27. Review status: criteria provided, single submitter. Criteria: Invitae Variant Classification Sherloc (09022015). Collection method: clinical testing. Allele origin: germline.

Ambry Genetics
Classification: Likely benign for Inborn genetic diseases. Last evaluated: 2022-03-17. Review status: criteria provided, single submitter. Criteria: Ambry Variant Classification Scheme 2023. Collection method: clinical testing. Allele origin: germline.

PreventionGenetics, part of Exact Sciences
Classification: Likely benign for CDH2-related condition. Last evaluated: 2019-05-22. Review status: no assertion criteria provided. Collection method: clinical testing. Allele origin: germline. Not counted in ClinVar's aggregate classification.
Comment: This variant is classified as likely benign based on ACMG/AMP sequence variant interpretation guidelines (Richards et al. 2015 PMID: 25741868, with internal and published modifications).

NM_001792.5(CDH2):c.519G>A (p.Arg173=)

Gene: CDH2 (cadherin 2; minus strand). Cytogenetic location: 18q12.1.
Variant type: single nucleotide variant.
Coding change: c.519G>A on transcript NM_001792.5 (MANE Select); coding-DNA position 519, G replaced by A.
Protein change: p.Arg173=; no amino-acid change (arginine 173 retained).
Molecular consequence: synonymous variant.
Genome position (GRCh38, 1-based): chr18:28,011,873, C>T on the plus strand (G>A on the coding strand, the complement: CDH2 is on the minus strand). VCF-style: chr18-28011873-C-T. GRCh37 (hg19) VCF-style: chr18-25591837-C-T.
Other names: c.519G>A (NM_001792.4); c.426G>A, p.Arg142= (NM_001308176.2).
Identifiers: ClinVar variation 1592474 (VCV001592474.12), dbSNP rs141456206, ClinGen allele CA8923675.